The following is an entry in ClinVar:

NM_000218.3(KCNQ1):c.1514+4103G>A

Genes: KCNQ1 (potassium voltage-gated channel subfamily Q member 1; plus strand), KCNQ1OT1 (KCNQ1 opposite strand/antisense transcript 1; minus strand). Cytogenetic location: 11p15.5.
Variant type: single nucleotide variant.
Coding change: c.1514+4103G>A on transcript NM_000218.3 (MANE Select); 4103 bases into the intron after coding-DNA position 1514, G replaced by A.
Molecular consequence: intron variant.
Genome position (GRCh38, 1-based): chr11:2,666,184, G>A. VCF-style: chr11-2666184-G-A. GRCh37 (hg19) VCF-style: chr11-2687414-G-A.
Other names: c.974+4103G>A (NM_001406838.1); c.1133+4103G>A (NM_181798.2); c.1244+4103G>A (NM_001406837.1); c.1418+4103G>A (NM_001406836.1).
Identifiers: ClinVar variation 1694614 (VCV001694614.31), dbSNP rs76592153, ClinGen allele CA216174586.

ClinVar aggregate classification (germline): Benign (1 of 4 stars; one submission).

Allele frequency attached by ClinVar (database versions not stated): 1000 Genomes Project 0.00559; 1000 Genomes Project 30x 0.00562; gnomAD 0.00698 and 0.00715; TOPMed 0.00804; gnomAD exomes 0.00870.
gnomAD v4.1: 3,311 of 398,578 alleles (0.83%); highest among the groups gnomAD compares: Middle Eastern, 2.2%; 30 homozygotes.

Submission:

CeGaT Center for Human Genetics Tuebingen
Classification: Benign. Last evaluated: 2026-09-01. Review status: criteria provided, single submitter. Criteria: CeGaT Center For Human Genetics Tuebingen Variant Classification Criteria Version 2. Collection method: clinical testing. Allele origin: germline. Affected: yes. Observed: 135 variant alleles.
Comment: KCNQ1OT1: BS1, BS2; KCNQ1: BS1, BS2